The following is an entry in ClinVar:

NM_003801.4(GPAA1):c.1179G>A (p.Trp393Ter)

Gene: GPAA1 (glycosylphosphatidylinositol anchor attachment 1; plus strand). Cytogenetic location: 8q24.3.
Variant type: single nucleotide variant.
Coding change: c.1179G>A on transcript NM_003801.4 (MANE Select); coding-DNA position 1179, G replaced by A.
Protein change: p.Trp393Ter; replaces tryptophan 393 with a stop codon.
Molecular consequence: nonsense.
Genome position (GRCh38, 1-based): chr8:144,085,057, G>A. VCF-style: chr8-144085057-G-A. GRCh37 (hg19) VCF-style: chr8-145139960-G-A.
Other names: short protein forms W393*.
Identifiers: ClinVar variation 4700358 (VCV004700358.1).

ClinVar aggregate classification (germline): Pathogenic (1 of 4 stars; one submission).

gnomAD v4.1: 12 of 1,610,396 alleles (0.00075%); highest among the groups gnomAD compares: Non-Finnish European, 0.00085%; no homozygotes.

Submission:

Labcorp Genetics (formerly Invitae), Labcorp
Classification: Pathogenic. Last evaluated: 2025-04-14. Review status: criteria provided, single submitter. Criteria: Invitae Variant Classification Sherloc (09022015). Collection method: clinical testing. Allele origin: germline.
Comment: This sequence change creates a premature translational stop signal (p.Trp393*) in the GPAA1 gene. It is expected to result in an absent or disrupted protein product. Loss-of-function variants in GPAA1 are known to be pathogenic (PMID: 29100095). This variant is not present in population databases (gnomAD no frequency). This variant has not been reported in the literature in individuals affected with GPAA1-related conditions. For these reasons, this variant has been classified as Pathogenic.

Literature cited by the submitters: PubMed 29100095.